The following is an entry in ClinVar:

ClinVar aggregate classification (germline): Benign/Likely benign. Review status: criteria provided, multiple submitters, no conflicts (2 of 4 stars). 3 submissions from 3 submitters: Benign (1); Likely benign (2). Last evaluated 2025-07-21.

Conditions:
TTLL5-related disorder. Also called: TTLL5-related condition.

Allele frequency attached by ClinVar (database versions not stated): gnomAD exomes 0.00007 and 0.00016; TOPMed 0.00008; gnomAD 0.00009 and 0.00010; 1000 Genomes Project 30x 0.00016; ExAC 0.00016; 1000 Genomes Project 0.00020; ESP Exome Variant Server 0.00023.
gnomAD v4.1: 120 of 1,613,786 alleles (0.0074%); highest among the groups gnomAD compares: Non-Finnish European, 0.0026%; no homozygotes.

Submissions (3):

Labcorp Genetics (formerly Invitae), Labcorp
Classification: Benign. Last evaluated: 2025-07-21. Review status: criteria provided, single submitter. Criteria: Invitae Variant Classification Sherloc (09022015). Collection method: clinical testing. Allele origin: germline.

PreventionGenetics, part of Exact Sciences
Classification: Likely benign for TTLL5-related condition. Last evaluated: 2025-03-19. Review status: criteria provided, single submitter. Criteria: ACMG Guidelines, 2015. Collection method: clinical testing. Allele origin: germline.
Comment: This variant is classified as likely benign based on ACMG/AMP sequence variant interpretation guidelines (Richards et al. 2015 PMID: 25741868, with internal and published modifications).

Blueprint Genetics
Classification: Likely benign. Last evaluated: 2024-08-13. Review status: criteria provided, single submitter. Criteria: ACMG Guidelines, 2015. Collection method: clinical testing. Allele origin: germline.

NM_015072.5(TTLL5):c.3447A>G (p.Gln1149=)

Gene: TTLL5 (tubulin tyrosine ligase like 5; plus strand). Cytogenetic location: 14q24.3.
Variant type: single nucleotide variant.
Coding change: c.3447A>G on transcript NM_015072.5 (MANE Select); coding-DNA position 3447, A replaced by G.
Protein change: p.Gln1149=; no amino-acid change (glutamine 1149 retained).
Molecular consequence: synonymous variant.
Genome position (GRCh38, 1-based): chr14:75,863,787, A>G. VCF-style: chr14-75863787-A-G. GRCh37 (hg19) VCF-style: chr14-76330130-A-G.
Other names: c.3447A>G (NM_015072.4).
Identifiers: ClinVar variation 1167039 (VCV001167039.12), dbSNP rs140548477, ClinGen allele CA7280014.